The following is an entry in ClinVar:

ClinVar aggregate classification (germline): Uncertain significance (1 of 4 stars; one submission).

gnomAD v4.1: 1 of 1,606,146 alleles (0.000062%); highest among the groups gnomAD compares: Non-Finnish European, 0.000085%; no homozygotes.

Submission:

Labcorp Genetics (formerly Invitae), Labcorp
Classification: Uncertain significance. Last evaluated: 2021-08-11. Review status: criteria provided, single submitter. Criteria: Invitae Variant Classification Sherloc (09022015). Collection method: clinical testing. Allele origin: germline.
Comment: This sequence change replaces glycine with tryptophan at codon 179 of the SNX10 protein (p.Gly179Trp). The glycine residue is moderately conserved and there is a large physicochemical difference between glycine and tryptophan. This variant is not present in population databases (ExAC no frequency). This variant has not been reported in the literature in individuals affected with SNX10-related conditions. Algorithms developed to predict the effect of missense changes on protein structure and function are either unavailable or do not agree on the potential impact of this missense change (SIFT: "Deleterious"; PolyPhen-2: "Probably Damaging"; Align-GVGD: "Class C0"). In summary, the available evidence is currently insufficient to determine the role of this variant in disease. Therefore, it has been classified as a Variant of Uncertain Significance.

NM_013322.3(SNX10):c.535G>T (p.Gly179Trp)

Genes: SNX10 (sorting nexin 10; plus strand), SNX10-AS1 (SNX10 antisense RNA 1; minus strand). Cytogenetic location: 7p15.2.
Variant type: single nucleotide variant.
Coding change: c.535G>T on transcript NM_013322.3 (MANE Select); coding-DNA position 535, G replaced by T.
Protein change: p.Gly179Trp; replaces glycine 179 with tryptophan.
Molecular consequence: missense variant. On other transcripts: non-coding transcript variant (3).
Genome position (GRCh38, 1-based): chr7:26,372,501, G>T. VCF-style: chr7-26372501-G-T. GRCh37 (hg19) VCF-style: chr7-26412121-G-T.
Other names: c.535G>T, p.Gly179Trp (NM_001199835.1, NM_001318199.3); c.526G>T, p.Gly176Trp (NM_001199837.3); c.283G>T, p.Gly95Trp (NM_001199838.2); c.613G>T, p.Gly205Trp (NM_001318198.1, NM_001362753.1, NM_001362754.1); short protein forms G179W, G95W, G205W, G176W.
Identifiers: ClinVar variation 1355371 (VCV001355371.4), dbSNP rs2128030057, ClinGen allele CA367229009.